The following is an entry in ClinVar:

NM_001244008.2(KIF1A):c.*1694C>T

Gene: KIF1A (kinesin family member 1A; minus strand). Cytogenetic location: 2q37.3.
Variant type: single nucleotide variant.
Coding change: c.*1694C>T on transcript NM_001244008.2 (MANE Select); 1694 bases downstream of the stop codon, C replaced by T.
Molecular consequence: 3 prime UTR variant.
Genome position (GRCh38, 1-based): chr2:240,715,670, G>A on the plus strand (C>T on the coding strand, the complement: KIF1A is on the minus strand). VCF-style: chr2-240715670-G-A. GRCh37 (hg19) VCF-style: chr2-241655087-G-A.
Other names: c.*1694C>T (NM_001320705.2, NM_001330289.2, NM_001330290.2 and 20 more transcripts).
Identifiers: ClinVar variation 335236 (VCV000335236.6), dbSNP rs3732339, ClinGen allele CA10614984.
Genomic context (GRCh38, chr2:240,715,670, plus strand): 5'-AAACAACCTTCCCAAAGGAAAACCTCATGCCAGAGCCTTCCCATGTGGTGTAGAAGGCCC[G>A]TGCTCCCCCACTCCTGAGCCGCTGTCTCTCCCCCAGGCATGGGATTGGGGTCTCTGAGGC-3'

ClinVar aggregate classification (germline): Benign. Review status: criteria provided, multiple submitters, no conflicts (2 of 4 stars). 2 submissions from 2 submitters: Benign (2). Last evaluated 2018-01-13.

Conditions:
Hereditary spastic paraplegia 30. Identifiers: Orphanet 101010, MedGen C5235139, MONDO:0012476.

Allele frequency attached by ClinVar (database versions not stated): gnomAD exomes 0.01389; gnomAD 0.12515 and 0.12633; TOPMed 0.14674; 1000 Genomes Project 0.18450; 1000 Genomes Project 30x 0.18988.
gnomAD v4.1: 18,889 of 152,266 alleles (12%); highest among the groups gnomAD compares: Admixed American, 27%; 2,310 homozygotes.

Submissions (2):

Illumina Laboratory Services, Illumina
Classification: Benign for Spastic paraplegia 30A, autosomal dominant. Last evaluated: 2018-01-13. Review status: criteria provided, single submitter. Criteria: ICSL Variant Classification Criteria 13 December 2019. Collection method: clinical testing. Allele origin: germline.
Comment: This variant was observed in the ICSL laboratory as part of a predisposition screen in an ostensibly healthy population. It had not been previously curated by ICSL or reported in the Human Gene Mutation Database (HGMD: prior to June 1st, 2018), and was therefore a candidate for classification through an automated scoring system. Utilizing variant allele frequency, disease prevalence and penetrance estimates, and inheritance mode, an automated score was calculated to assess if this variant is too frequent to cause the disease. Based on the score and internal cut-off values, a variant classified as benign is not then subjected to further curation. The score for this variant resulted in a classification of benign for this disease.

Breakthrough Genomics
Classification: Benign. Review status: criteria provided, single submitter. Criteria: ACMG Guidelines, 2015. Collection method: not provided. Allele origin: germline. Inheritance: Autosomal recessive inheritance. Affected: yes.